The following is an entry in ClinVar:

ClinVar aggregate classification (germline): Uncertain significance. Review status: criteria provided, multiple submitters, no conflicts (2 of 4 stars). 2 submissions from 2 submitters: Uncertain significance (2). Last evaluated 2024-02-17.

Conditions:
Familial acute necrotizing encephalopathy (IIAE3). Also called: ENCEPHALOPATHY, ACUTE, INFECTION-INDUCED, SUSCEPTIBILITY TO, 3; Susceptibility to Acute Necrotizing Encephalopathy 1. Identifiers: Orphanet 88619, MedGen C2675556, MONDO:0011953, OMIM 608033.

Allele frequency attached by ClinVar (database versions not stated): gnomAD exomes below 0.00001 and 0.00001; TOPMed below 0.00001; gnomAD 0.00001.
gnomAD v4.1: 3 of 1,613,954 alleles (0.00019%); highest among the groups gnomAD compares: East Asian, 0.0045%; no homozygotes.

Submissions (2):

Ambry Genetics
Classification: Uncertain significance. Last evaluated: 2024-02-17. Review status: criteria provided, single submitter. Criteria: Ambry Variant Classification Scheme 2023. Collection method: clinical testing. Allele origin: germline.

Labcorp Genetics (formerly Invitae), Labcorp
Classification: Uncertain significance for Familial acute necrotizing encephalopathy. Last evaluated: 2023-08-17. Review status: criteria provided, single submitter. Criteria: Invitae Variant Classification Sherloc (09022015). Collection method: clinical testing. Allele origin: germline.
Comment: This sequence change replaces lysine, which is basic and polar, with asparagine, which is neutral and polar, at codon 2730 of the RANBP2 protein (p.Lys2730Asn). In summary, the available evidence is currently insufficient to determine the role of this variant in disease. Therefore, it has been classified as a Variant of Uncertain Significance. An algorithm developed to predict the effect of missense changes on protein structure and function (PolyPhen-2) suggests that this variant is likely to be disruptive. ClinVar contains an entry for this variant (Variation ID: 935523). This variant has not been reported in the literature in individuals affected with RANBP2-related conditions. This variant is present in population databases (no rsID available, gnomAD 0.01%).

NM_006267.5(RANBP2):c.8190A>C (p.Lys2730Asn)

Gene: RANBP2 (RAN binding protein 2; plus strand). Cytogenetic location: 2q13.
Variant type: single nucleotide variant.
Coding change: c.8190A>C on transcript NM_006267.5 (MANE Select); coding-DNA position 8190, A replaced by C.
Protein change: p.Lys2730Asn; replaces lysine 2730 with asparagine.
Molecular consequence: missense variant.
Genome position (GRCh38, 1-based): chr2:108,772,944, A>C. VCF-style: chr2-108772944-A-C. GRCh37 (hg19) VCF-style: chr2-109389400-A-C.
Other names: short protein forms K2730N.
Identifiers: ClinVar variation 935523 (VCV000935523.11), dbSNP rs1160561861, ClinGen allele CA348082843.